The following is an entry in ClinVar:

ClinVar aggregate classification (germline): Benign (1 of 4 stars; one submission).

Allele frequency attached by ClinVar (database versions not stated): 1000 Genomes Project 30x 0.10931; 1000 Genomes Project 0.11022; TOPMed 0.12868; gnomAD 0.13510 and 0.13674.
gnomAD v4.1: 20,637 of 152,032 alleles (14%); highest among the groups gnomAD compares: Middle Eastern, 18%; 1,496 homozygotes.

Submission:

GeneDx
Classification: Benign. Last evaluated: 2018-06-14. Review status: criteria provided, single submitter. Criteria: GeneDx Variant Classification (06012015). Collection method: clinical testing. Allele origin: germline. Affected: yes.
Comment: This variant is considered likely benign or benign based on one or more of the following criteria: it is a conservative change, it occurs at a poorly conserved position in the protein, it is predicted to be benign by multiple in silico algorithms, and/or has population frequency not consistent with disease.

NM_000642.3(AGL):c.3362+236G>A

Gene: AGL (amylo-alpha-1,6-glucosidase and 4-alpha-glucanotransferase; plus strand). Cytogenetic location: 1p21.2.
Variant type: single nucleotide variant.
Coding change: c.3362+236G>A on transcript NM_000642.3 (MANE Select); 236 bases into the intron after coding-DNA position 3362, G replaced by A.
Molecular consequence: intron variant.
Genome position (GRCh38, 1-based): chr1:99,896,624, G>A. VCF-style: chr1-99896624-G-A. GRCh37 (hg19) VCF-style: chr1-100362180-G-A.
Other names: c.3362+236G>A (NM_000643.3, NM_000644.3, NM_001425325.1 and 1 more transcripts); c.3314+236G>A (NM_000646.3); c.3341+236G>A (NM_001425326.1); c.3161+236G>A (NM_001425327.1); c.3158+236G>A (NM_001425328.1); c.3023+236G>A (NM_001425329.1); c.2984+236G>A (NM_001425332.1).
Identifiers: ClinVar variation 680038 (VCV000680038.1), dbSNP rs4908034, ClinGen allele CA27534849.